The following is an entry in ClinVar:

NM_000466.3(PEX1):c.1284C>T (p.Ala428=)

Gene: PEX1 (peroxisomal biogenesis factor 1; minus strand). Cytogenetic location: 7q21.2.
Variant type: single nucleotide variant.
Coding change: c.1284C>T on transcript NM_000466.3 (MANE Select); coding-DNA position 1284, C replaced by T.
Protein change: p.Ala428=; no amino-acid change (alanine 428 retained).
Molecular consequence: synonymous variant.
Genome position (GRCh38, 1-based): chr7:92,513,923, G>A on the plus strand (C>T on the coding strand, the complement: PEX1 is on the minus strand). VCF-style: chr7-92513923-G-A. GRCh37 (hg19) VCF-style: chr7-92143237-G-A.
Other names: c.1284C>T, p.Ala428= (NM_001282677.2); c.660C>T, p.Ala220= (NM_001282678.2).
Identifiers: ClinVar variation 500641 (VCV000500641.42), dbSNP rs145153467, ClinGen allele CA4341444.

ClinVar aggregate classification (germline): Conflicting classifications of pathogenicity. Review status: criteria provided, conflicting classifications (1 of 4 stars). 5 submissions from 5 submitters: Uncertain significance (1); Likely benign (3). 1 of the submissions does not count toward it. Last evaluated 2025-03-28.

Conditions:
Zellweger spectrum disorders (ZS). Also called: Zellweger Spectrum Disorder; Zellweger Spectrum; Zellweger syndrome; Zellweger Spectrum Disorder (ZSD). Identifiers: Orphanet 912, MedGen C0043459, MONDO:0019609.

Allele frequency attached by ClinVar (database versions not stated): gnomAD exomes 0.00001; ExAC 0.00002; gnomAD 0.00005 and 0.00006; TOPMed 0.00006; ESP Exome Variant Server 0.00008.
gnomAD v4.1: 20 of 1,591,002 alleles (0.0013%); highest among the groups gnomAD compares: Middle Eastern, 0.017%; no homozygotes.

Submissions (5):

Labcorp Genetics (formerly Invitae), Labcorp
Classification: Likely benign for Zellweger spectrum disorders. Last evaluated: 2025-03-28. Review status: criteria provided, single submitter. Criteria: Invitae Variant Classification Sherloc (09022015). Collection method: clinical testing. Allele origin: germline.

CeGaT Center for Human Genetics Tuebingen
Classification: Likely benign. Last evaluated: 2023-09-01. Review status: criteria provided, single submitter. Criteria: CeGaT Center For Human Genetics Tuebingen Variant Classification Criteria Version 2. Collection method: clinical testing. Allele origin: germline. Affected: yes. Observed: 1 variant allele.
Comment: PEX1: BP4, BP7

Blueprint Genetics
Classification: Likely benign. Last evaluated: 2022-08-25. Review status: criteria provided, single submitter. Criteria: ACMG Guidelines, 2015. Collection method: clinical testing. Allele origin: germline.

Eurofins Ntd Llc (ga)
Classification: Uncertain significance. Last evaluated: 2017-02-27. Review status: criteria provided, single submitter. Criteria: EGL Classification Definitions 2015. Collection method: clinical testing. Allele origin: germline. Observed: 1 variant allele, 1 heterozygote.

Natera, Inc.
Classification: Uncertain significance for Zellweger syndrome. Last evaluated: 2018-06-11. Review status: no assertion criteria provided. Collection method: clinical testing. Allele origin: germline. Not counted in ClinVar's aggregate classification.